The following is an entry in ClinVar:

NM_001122955.4(BSCL2):c.405-19C>T

Genes: BSCL2 (BSCL2 lipid droplet biogenesis associated, seipin; minus strand), HNRNPUL2-BSCL2 (HNRNPUL2-BSCL2 readthrough (NMD candidate); minus strand). Cytogenetic location: 11q12.3.
Variant type: single nucleotide variant.
Coding change: c.405-19C>T on transcript NM_001122955.4 (MANE Select); 19 bases into the intron before coding-DNA position 405, C replaced by T.
Molecular consequence: intron variant.
Genome position (GRCh38, 1-based): chr11:62,702,568, G>A on the plus strand (C>T on the coding strand, the complement: BSCL2 is on the minus strand). VCF-style: chr11-62702568-G-A. GRCh37 (hg19) VCF-style: chr11-62470040-G-A.
Other names: c.213-19C>T (NM_001130702.2, NM_032667.6); c.405-19C>T (NM_001386028.1, NM_001386027.1, NM_001122955.3).
Identifiers: ClinVar variation 4704849 (VCV004704849.2).

ClinVar aggregate classification (germline): Likely benign. Review status: criteria provided, multiple submitters, no conflicts (2 of 4 stars). 2 submissions from 2 submitters: Likely benign (2). Last evaluated 2026-06-07.

Conditions:
BSCL2-related disorder. Also called: BSCL2-Related Disorders; BSCL2-related condition.
Charcot-Marie-Tooth disease type 2. Also called: Charcot-Marie-Tooth type 2. Identifiers: Orphanet 64746, MedGen C0270914, MONDO:0018993.

Submissions (2):

PreventionGenetics, part of Exact Sciences
Classification: Likely benign for BSCL2-related condition. Last evaluated: 2026-06-07. Review status: criteria provided, single submitter. Criteria: ACMG Guidelines, 2015. Collection method: clinical testing. Allele origin: germline.
Comment: This variant is classified as likely benign based on ACMG/AMP sequence variant interpretation guidelines (Richards et al. 2015 PMID: 25741868, with internal and published modifications).

Labcorp Genetics (formerly Invitae), Labcorp
Classification: Likely benign for Charcot-Marie-Tooth disease type 2. Last evaluated: 2026-01-20. Review status: criteria provided, single submitter. Criteria: Invitae Variant Classification Sherloc (09022015). Collection method: clinical testing. Allele origin: germline.